The following is an entry in ClinVar:

NM_000548.5(TSC2):c.3744C>T (p.Ala1248=)

Gene: TSC2 (TSC complex subunit 2; plus strand). Cytogenetic location: 16p13.3.
Variant type: single nucleotide variant.
Coding change: c.3744C>T on transcript NM_000548.5 (MANE Select); coding-DNA position 3744, C replaced by T.
Protein change: p.Ala1248=; no amino-acid change (alanine 1248 retained).
Molecular consequence: synonymous variant.
Genome position (GRCh38, 1-based): chr16:2,081,728, C>T. VCF-style: chr16-2081728-C-T. GRCh37 (hg19) VCF-style: chr16-2131729-C-T.
Other names: p.A1248A:GCC>GCT; p.Ala1248=; c.3612C>T, p.Ala1204= (NM_001077183.3, NM_001370404.1); c.3744C>T, p.Ala1248= (NM_001114382.3); c.3504C>T, p.Ala1168= (NM_001318827.2); c.3468C>T, p.Ala1156= (NM_001318829.2); c.3012C>T, p.Ala1004= (NM_001318831.2); c.3645C>T, p.Ala1215= (NM_001318832.2); and 1 more.
Identifiers: ClinVar variation 49548 (VCV000049548.76), dbSNP rs45517307, ClinGen allele CA019514.
Genomic context (GRCh38, chr16:2,081,728, plus strand): 5'-GCAGGAGCTGTCTAACGCCCTCATGGCGGCTGAGCGCTTCAAGGAGCACCGGGACACAGC[C>T]CTGTACAAGTCACTGTCGGTGCCGGCAGCCAGCACGGCCAAACCCCCTCCTCTGCCTCGC-3'
Protein context (NP_000539.2, residues 1238-1258): AERFKEHRDT[Ala1248=]LYKSLSVPAA

ClinVar aggregate classification (germline): Benign/Likely benign. Review status: criteria provided, multiple submitters, no conflicts (2 of 4 stars). 18 submissions from 18 submitters: Benign (10); Likely benign (7). 1 of the submissions does not count toward it. Last evaluated 2026-09-01.

Conditions:
Tuberous sclerosis 2 (TSC2). Identifiers: Orphanet 805, MedGen C1860707, MONDO:0013199, OMIM 613254.
Lymphangiomyomatosis (LAM). Also called: Lymphangioleiomyomatosis; Lymphangioleiomyomatosis, somatic. Identifiers: Orphanet 538, MedGen C0751674, MONDO:0011705, OMIM 606690.
Isolated focal cortical dysplasia type II (FCORD2). Also called: Focal cortical dysplasia type II; CORTICAL DYSPLASIA OF TAYLOR. Identifiers: Orphanet 268994, MedGen C1846385, MONDO:0011818, OMIM 607341, HP:0032051.
Hereditary cancer-predisposing syndrome. Also called: Neoplastic Syndromes, Hereditary; Tumor predisposition; Hereditary Cancer Syndrome; Hereditary neoplastic syndrome. Identifiers: Orphanet 140162, MedGen C0027672, MeSH D009386, MONDO:0015356.
Tuberous sclerosis syndrome (TSC). Also called: Tuberous Sclerosis Complex; Tuberous sclerosis. Identifiers: Orphanet 805, MedGen C0041341, MONDO:0001734.

Allele frequency attached by ClinVar (database versions not stated): ESP Exome Variant Server 0.00023; gnomAD 0.00025 and 0.00027; TOPMed 0.00025.
gnomAD v4.1: 453 of 1,612,872 alleles (0.028%); highest among the groups gnomAD compares: Non-Finnish European, 0.035%; 5 homozygotes.

Submissions (18):

CeGaT Center for Human Genetics Tuebingen
Classification: Likely benign. Last evaluated: 2026-09-01. Review status: criteria provided, single submitter. Criteria: CeGaT Center For Human Genetics Tuebingen Variant Classification Criteria Version 2. Collection method: clinical testing. Allele origin: germline. Affected: yes. Observed: 27 variant alleles.
Comment: TSC2: BP4, BP7

Labcorp Genetics (formerly Invitae), Labcorp
Classification: Benign for Tuberous sclerosis 2. Last evaluated: 2026-02-01. Review status: criteria provided, single submitter. Criteria: Invitae Variant Classification Sherloc (09022015). Collection method: clinical testing. Allele origin: germline.

Myriad Genetics, Inc.
Classification: Benign for Tuberous sclerosis 2. Last evaluated: 2025-05-30. Review status: criteria provided, single submitter. Criteria: Myriad Autosomal Dominant, Autosomal Recessive and X-Linked Classification Criteria (2023). Collection method: clinical testing. Allele origin: unknown.
Comment: This variant is considered benign. This variant is a silent/synonymous amino acid change and it is not expected to impact splicing.

Laboratory of Genetics, Children's Clinical University Hospital Latvia
Classification: Likely benign. Last evaluated: 2025-02-16. Review status: criteria provided, single submitter. Criteria: ACMG Guidelines, 2015. Collection method: clinical testing. Allele origin: germline. Affected: yes.

Blueprint Genetics
Classification: Likely benign. Last evaluated: 2024-11-19. Review status: criteria provided, single submitter. Criteria: ACMG Guidelines, 2015. Collection method: clinical testing. Allele origin: germline.

Mayo Clinic Laboratories, Mayo Clinic
Classification: Benign. Last evaluated: 2024-10-11. Review status: criteria provided, single submitter. Criteria: ACMG Guidelines, 2015. Collection method: clinical testing. Allele origin: germline. Observed: 1 variant allele.
Comment: BS1, BS2, BP4, BP7

All of Us Research Program, National Institutes of Health
Classification: Benign for Tuberous sclerosis syndrome. Last evaluated: 2024-02-05. Review status: criteria provided, single submitter. Criteria: ACMG Guidelines, 2015. Collection method: clinical testing. Allele origin: germline. Inheritance: Autosomal dominant inheritance. Observed: 139 variant alleles, 138 heterozygotes, 1 homozygote.
Comment: This study involves interpretation of variants in research participants for the purpose of population health screening. Participant phenotype was not available at the time of variant classification. Additional details can be found in publication PMID: 35346344, PMCID: PMC8962531

Color Diagnostics, LLC DBA Color Health
Classification: Benign for Tuberous sclerosis syndrome. Last evaluated: 2022-10-03. Review status: criteria provided, single submitter. Criteria: ACMG Guidelines, 2015. Collection method: clinical testing. Allele origin: germline.

Department of Pathology and Laboratory Medicine, Sinai Health System
Classification: Benign for Lymphangiomyomatosis; Isolated focal cortical dysplasia type II; Tuberous sclerosis 2. Last evaluated: 2021-12-01. Review status: criteria provided, single submitter. Criteria: ACMG Guidelines, 2015. Collection method: clinical testing. Allele origin: germline. Affected: yes.

Genome-Nilou Lab
Classification: Benign for Tuberous sclerosis 2. Last evaluated: 2021-11-07. Review status: criteria provided, single submitter. Criteria: ACMG Guidelines, 2015. Collection method: clinical testing. Allele origin: germline. Affected: no.

Sema4
Classification: Benign for Hereditary cancer-predisposing syndrome. Last evaluated: 2020-10-16. Review status: criteria provided, single submitter. Criteria: Sema4 Curation Guidelines. Collection method: curation. Allele origin: germline.

ARUP Laboratories, Molecular Genetics and Genomics, ARUP Laboratories
Classification: Likely benign. Last evaluated: 2020-01-20. Review status: criteria provided, single submitter. Criteria: ARUP Molecular Germline Variant Investigation Process. Collection method: clinical testing. Allele origin: germline.

Quest Diagnostics Nichols Institute San Juan Capistrano
Classification: Benign. Last evaluated: 2018-06-13. Review status: criteria provided, single submitter. Criteria: Quest Diagnostics criteria. Collection method: clinical testing. Allele origin: unknown.

Illumina Laboratory Services, Illumina
Classification: Likely benign for Tuberous sclerosis syndrome. Last evaluated: 2018-01-12. Review status: criteria provided, single submitter. Criteria: ICSL Variant Classification Criteria 13 December 2019. Collection method: clinical testing. Allele origin: germline.
Comment: This variant was observed in the ICSL laboratory as part of a predisposition screen in an ostensibly healthy population. It had not been previously curated by ICSL or reported in the Human Gene Mutation Database (HGMD: prior to June 1st, 2018), and was therefore a candidate for classification through an automated scoring system. Utilizing variant allele frequency, disease prevalence and penetrance estimates, and inheritance mode, an automated score was calculated to assess if this variant is too frequent to cause the disease. Based on the score and internal cut-off values, a variant classified as likely benign is not then subjected to further curation. The score for this variant resulted in a classification of likely benign for this disease.

Ambry Genetics
Classification: Likely benign for Hereditary cancer-predisposing syndrome. Last evaluated: 2015-03-09. Review status: criteria provided, single submitter. Criteria: Ambry Variant Classification Scheme 2023. Collection method: clinical testing. Allele origin: germline.

GeneDx
Classification: Benign. Last evaluated: 2013-07-17. Review status: criteria provided, single submitter. Criteria: GeneDx Variant Classification (06012015). Collection method: clinical testing. Allele origin: germline. Affected: yes.
Comment: This variant is considered likely benign or benign based on one or more of the following criteria: it is a conservative change, it occurs at a poorly conserved position in the protein, it is predicted to be benign by multiple in silico algorithms, and/or has population frequency not consistent with disease.

PreventionGenetics, part of Exact Sciences
Classification: Likely benign. Review status: criteria provided, single submitter. Criteria: ACMG Guidelines, 2015. Collection method: clinical testing. Allele origin: germline.

Tuberous sclerosis database (TSC2)
No classification provided. Condition: TSC. Review status: no classification provided. Criteria: Tuberous Sclerosis Database Assertion Criteria 2015. Collection method: curation. Allele origin: germline. Affected: yes. Not counted in ClinVar's aggregate classification.

Literature cited by the submitters: PubMed 11437991 (cited by Quest Diagnostics Nichols Institute San Juan Capistrano).